The following is an entry in ClinVar:

ClinVar aggregate classification (germline): Likely benign. Review status: criteria provided, multiple submitters, no conflicts (2 of 4 stars). 4 submissions from 4 submitters: Likely benign (4). Last evaluated 2025-07-25.

Conditions:
Wilson disease (WND). Also called: Wilson's disease. Identifiers: Orphanet 905, MedGen C0019202, MONDO:0010200, OMIM 277900. Disease mechanism: loss of function.

Allele frequency attached by ClinVar (database versions not stated): gnomAD exomes below 0.00001; TOPMed below 0.00001.
gnomAD v4.1: 4 of 1,614,238 alleles (0.00025%); highest among the groups gnomAD compares: Non-Finnish European, 0.00034%; no homozygotes.

Submissions (4):

Labcorp Genetics (formerly Invitae), Labcorp
Classification: Likely benign for Wilson disease. Last evaluated: 2025-07-25. Review status: criteria provided, single submitter. Criteria: Invitae Variant Classification Sherloc (09022015). Collection method: clinical testing. Allele origin: germline.

Color Diagnostics, LLC DBA Color Health
Classification: Likely benign for Wilson disease. Last evaluated: 2025-05-30. Review status: criteria provided, single submitter. Criteria: ACMG Guidelines, 2015. Collection method: clinical testing. Allele origin: germline.

CeGaT Center for Human Genetics Tuebingen
Classification: Likely benign. Last evaluated: 2023-08-01. Review status: criteria provided, single submitter. Criteria: CeGaT Center For Human Genetics Tuebingen Variant Classification Criteria Version 2. Collection method: clinical testing. Allele origin: germline. Affected: yes. Observed: 1 variant allele.
Comment: ATP7B: PM2:Supporting, BP4, BP7

GeneDx
Classification: Likely benign. Last evaluated: 2020-04-13. Review status: criteria provided, single submitter. Criteria: GeneDx Variant Classification Process June 2021. Collection method: clinical testing. Allele origin: germline. Affected: yes.
Comment: See Variant Classification Assertion Criteria.

NM_000053.4(ATP7B):c.3660G>A (p.Thr1220=)

Gene: ATP7B (ATPase copper transporting beta; minus strand). Cytogenetic location: 13q14.3.
Variant type: single nucleotide variant.
Coding change: c.3660G>A on transcript NM_000053.4 (MANE Select); coding-DNA position 3660, G replaced by A.
Protein change: p.Thr1220=; no amino-acid change (threonine 1220 retained).
Molecular consequence: synonymous variant.
Genome position (GRCh38, 1-based): chr13:51,939,090, C>T on the plus strand (G>A on the coding strand, the complement: ATP7B is on the minus strand). VCF-style: chr13-51939090-C-T. GRCh37 (hg19) VCF-style: chr13-52513226-C-T.
Other names: c.3660G>A (NM_000053.3); c.3039G>A, p.Thr1013= (NM_001005918.3); c.3327G>A, p.Thr1109= (NM_001243182.2); c.3426G>A, p.Thr1142= (NM_001330578.2); c.3408G>A, p.Thr1136= (NM_001330579.2).
Identifiers: ClinVar variation 1493014 (VCV001493014.33), dbSNP rs1253901147, ClinGen allele CA483893704.